The following is an entry in ClinVar:

ClinVar aggregate classification (germline): Uncertain significance (1 of 4 stars; one submission).

Allele frequency attached by ClinVar (database versions not stated): ExAC 0.00001; TOPMed 0.00001; gnomAD exomes 0.00002; ESP Exome Variant Server 0.00008.
gnomAD v4.1: 35 of 1,614,248 alleles (0.0022%); highest among the groups gnomAD compares: Non-Finnish European, 0.003%; no homozygotes.

Submission:

Labcorp Genetics (formerly Invitae), Labcorp
Classification: Uncertain significance. Last evaluated: 2023-07-12. Review status: criteria provided, single submitter. Criteria: Invitae Variant Classification Sherloc (09022015). Collection method: clinical testing. Allele origin: germline.
Comment: In summary, the available evidence is currently insufficient to determine the role of this variant in disease. Therefore, it has been classified as a Variant of Uncertain Significance. An algorithm developed to predict the effect of missense changes on protein structure and function (PolyPhen-2) suggests that this variant is likely to be tolerated. This variant has not been reported in the literature in individuals affected with ADNP-related conditions. This variant is present in population databases (rs376577810, gnomAD 0.0009%). This sequence change replaces methionine, which is neutral and non-polar, with leucine, which is neutral and non-polar, at codon 531 of the ADNP protein (p.Met531Leu).

NM_001282531.3(ADNP):c.1591A>C (p.Met531Leu)

Gene: ADNP (activity dependent neuroprotector homeobox; minus strand). Cytogenetic location: 20q13.13.
Variant type: single nucleotide variant.
Coding change: c.1591A>C on transcript NM_001282531.3 (MANE Select); coding-DNA position 1591, A replaced by C.
Protein change: p.Met531Leu; replaces methionine 531 with leucine.
Molecular consequence: missense variant.
Genome position (GRCh38, 1-based): chr20:50,893,123, T>G on the plus strand (A>C on the coding strand, the complement: ADNP is on the minus strand). VCF-style: chr20-50893123-T-G. GRCh37 (hg19) VCF-style: chr20-49509660-T-G.
Other names: c.1591A>C, p.Met531Leu (NM_001282532.2, NM_001347511.2, NM_015339.5 and 1 more transcripts); short protein forms M531L.
Identifiers: ClinVar variation 2858759 (VCV002858759.3), dbSNP rs376577810, ClinGen allele CA9908708.
Genomic context (GRCh38, chr20:50,893,123, plus strand): 5'-CAAAACTCAAAGTAGAATCTGTTTTAGGTCCCATCTCTTCATCAATGTGAACCATCCGCA[T>G]GTGTGCGGCCATCTTTTCCACATCATTGAAAGTTGAACGGCAATATGGACAAGACAGACC-3'
Protein context (NP_001269460.1, residues 521-541): FNDVEKMAAH[Met531Leu]RMVHIDEEMG